The following is an entry in ClinVar:

ClinVar aggregate classification (germline): Pathogenic (1 of 4 stars; one submission).

Submission:

Labcorp Genetics (formerly Invitae), Labcorp
Classification: Pathogenic. Last evaluated: 2025-12-08. Review status: criteria provided, single submitter. Criteria: Invitae Variant Classification Sherloc (09022015). Collection method: clinical testing. Allele origin: germline.
Comment: This sequence change creates a premature translational stop signal (p.Leu2594*) in the FAT4 gene. It is expected to result in an absent or disrupted protein product. Loss-of-function variants in FAT4 are known to be pathogenic (PMID: 24056717, 24913602). This variant is not present in population databases (gnomAD no frequency). This variant has not been reported in the literature in individuals affected with FAT4-related conditions. For these reasons, this variant has been classified as Pathogenic.

Literature cited by the submitters: PubMed 24056717; PubMed 24913602.

NM_001291303.3(FAT4):c.7787T>A (p.Leu2596Ter)

Gene: FAT4 (FAT atypical cadherin 4; plus strand). Cytogenetic location: 4q28.1.
Variant type: single nucleotide variant.
Coding change: c.7787T>A on transcript NM_001291303.3 (MANE Select); coding-DNA position 7787, T replaced by A.
Protein change: p.Leu2596Ter; replaces leucine 2596 with a stop codon.
Molecular consequence: nonsense.
Genome position (GRCh38, 1-based): chr4:125,448,797, T>A. VCF-style: chr4-125448797-T-A. GRCh37 (hg19) VCF-style: chr4-126369952-T-A.
Other names: c.7787T>A, p.Leu2596Ter (NM_001291285.3, NM_001438396.1, NM_001438397.1); c.2558T>A, p.Leu853Ter (NM_001437895.1); c.7781T>A, p.Leu2594Ter (NM_024582.6); short protein forms L2596*, L853*, L2594*.
Identifiers: ClinVar variation 4772435 (VCV004772435.1).